The following is an entry in ClinVar:

NM_000053.4(ATP7B):c.1021T>C (p.Ser341Pro)

Gene: ATP7B (ATPase copper transporting beta; minus strand). Cytogenetic location: 13q14.3.
Variant type: single nucleotide variant.
Coding change: c.1021T>C on transcript NM_000053.4 (MANE Select); coding-DNA position 1021, T replaced by C.
Protein change: p.Ser341Pro; replaces serine 341 with proline.
Molecular consequence: missense variant. On other transcripts: intron variant (2).
Genome position (GRCh38, 1-based): chr13:51,974,199, A>G on the plus strand (T>C on the coding strand, the complement: ATP7B is on the minus strand). VCF-style: chr13-51974199-A-G. GRCh37 (hg19) VCF-style: chr13-52548335-A-G.
Other names: c.1021T>C, p.Ser341Pro (NM_001005918.3, NM_001330578.2, NM_001330579.2 and 29 more transcripts); c.925T>C, p.Ser309Pro (NM_001406517.1, NM_001406530.1, NM_001406536.1 and 3 more transcripts); c.803-115T>C (NM_001243182.2); c.707-115T>C (NM_001406539.1); short protein forms S309P, S341P.
Identifiers: ClinVar variation 3385733 (VCV003385733.1).

ClinVar aggregate classification (germline): Uncertain significance (1 of 4 stars; one submission).

Conditions:
Wilson disease (WND). Also called: Wilson's disease. Identifiers: Orphanet 905, MedGen C0019202, MONDO:0010200, OMIM 277900. Disease mechanism: loss of function.

Submission:

All of Us Research Program, National Institutes of Health
Classification: Uncertain significance for Wilson disease. Last evaluated: 2024-06-09. Review status: criteria provided, single submitter. Criteria: ACMG Guidelines, 2015. Collection method: clinical testing. Allele origin: germline. Inheritance: Autosomal recessive inheritance. Observed: 1 variant allele, 1 heterozygote.
Comment: This missense variant replaces serine with proline at codon 341 of the ATP7B protein. Computational prediction suggests that this variant may not impact protein structure and function (internally defined REVEL score threshold <= 0.5, PMID: 27666373). To our knowledge, functional studies have not been reported for this variant. This variant has not been reported in individuals affected with ATP7B-related disorders in the literature. This variant has not been identified in the general population by the Genome Aggregation Database (gnomAD). The available evidence is insufficient to determine the role of this variant in disease conclusively. Therefore, this variant is classified as a Variant of Uncertain Significance.

This study involves interpretation of variants in research participants for the purpose of population health screening. Participant phenotype was not available at the time of variant classification. Additional details can be found in publication PMID: 35346344, PMCID: PMC8962531